The following is an entry in ClinVar:

ClinVar aggregate classification (germline): Uncertain significance. Review status: criteria provided, multiple submitters, no conflicts (2 of 4 stars). 2 submissions from 2 submitters: Uncertain significance (2). Last evaluated 2025-08-01.

gnomAD v4.1: 26 of 1,210,896 alleles (0.0021%); highest among the groups gnomAD compares: East Asian, 0.003%; no homozygotes.

Submissions (2):

GeneDx
Classification: Uncertain significance. Last evaluated: 2025-08-01. Review status: criteria provided, single submitter. Criteria: GeneDx Variant Classification Process June 2021. Collection method: clinical testing. Allele origin: germline. Affected: yes.
Comment: Not observed at significant frequency in large population cohorts (gnomAD); In silico analysis supports that this missense variant has a deleterious effect on protein structure/function; Has not been previously published as pathogenic or benign to our knowledge

Blueprint Genetics
Classification: Uncertain significance. Last evaluated: 2024-08-06. Review status: criteria provided, single submitter. Criteria: ACMG Guidelines, 2015. Collection method: clinical testing. Allele origin: germline.

NM_000292.3(PHKA2):c.2800T>C (p.Cys934Arg)

Gene: PHKA2 (phosphorylase kinase regulatory subunit alpha 2; minus strand). Cytogenetic location: Xp22.13.
Variant type: single nucleotide variant.
Coding change: c.2800T>C on transcript NM_000292.3 (MANE Select); coding-DNA position 2800, T replaced by C.
Protein change: p.Cys934Arg; replaces cysteine 934 with arginine.
Molecular consequence: missense variant.
Genome position (GRCh38, 1-based): chrX:18,906,501, A>G on the plus strand (T>C on the coding strand, the complement: PHKA2 is on the minus strand). VCF-style: chrX-18906501-A-G. GRCh37 (hg19) VCF-style: chrX-18924619-A-G.
Other names: c.2800T>C, p.Cys934Arg (NM_001440800.1, NM_001440801.1, NM_001440805.1); c.2701T>C, p.Cys901Arg (NM_001440802.1, NM_001440803.1, NM_001440804.1); short protein forms C901R, C934R.
Identifiers: ClinVar variation 4689831 (VCV004689831.2).